The following is an entry in ClinVar:

NM_017780.4(CHD7):c.995T>C (p.Leu332Ser)

Gene: CHD7 (chromodomain helicase DNA binding protein 7; plus strand). Cytogenetic location: 8q12.2.
Variant type: single nucleotide variant.
Coding change: c.995T>C on transcript NM_017780.4 (MANE Select); coding-DNA position 995, T replaced by C.
Protein change: p.Leu332Ser; replaces leucine 332 with serine.
Molecular consequence: missense variant.
Genome position (GRCh38, 1-based): chr8:60,742,427, T>C. VCF-style: chr8-60742427-T-C. GRCh37 (hg19) VCF-style: chr8-61654986-T-C.
Other names: c.995T>C, p.Leu332Ser (NM_001316690.1); short protein forms L332S.
Identifiers: ClinVar variation 3360347 (VCV003360347.3).

ClinVar aggregate classification (germline): Uncertain significance. Review status: criteria provided, multiple submitters, no conflicts (2 of 4 stars). 3 submissions from 3 submitters: Uncertain significance (3). Last evaluated 2025-04-17.

Conditions:
CHARGE syndrome (CHARGE). Also called: Hittner Hirsch Kreh syndrome; CHARGE ASSOCIATION--COLOBOMA, HEART ANOMALY, CHOANAL ATRESIA, RETARDATION, GENITAL AND EAR ANOMALIES; Coloboma, heart anomaly, choanal atresia, retardation, genital and ear anomalies; CHARGE association; Hall-Hittner syndrome. Identifiers: Orphanet 138, MedGen C0265354, MONDO:0008965.
Hypogonadotropic hypogonadism 5 with or without anosmia (KAL5). Also called: CHD7-Related GnRH Deficiency (Kallmann Syndrome 5); HYPOGONADOTROPIC HYPOGONADISM 5 WITH ANOSMIA; HYPOGONADOTROPHIC HYPOGONADISM 5 WITHOUT ANOSMIA. Identifiers: Orphanet 478, MedGen C3552553, MONDO:0012880, OMIM 612370. Disease mechanism: loss of function.

Submissions (3):

Labcorp Genetics (formerly Invitae), Labcorp
Classification: Uncertain significance for CHARGE syndrome. Last evaluated: 2025-04-17. Review status: criteria provided, single submitter. Criteria: Invitae Variant Classification Sherloc (09022015). Collection method: clinical testing. Allele origin: germline.
Comment: This sequence change replaces leucine, which is neutral and non-polar, with serine, which is neutral and polar, at codon 332 of the CHD7 protein (p.Leu332Ser). This variant is not present in population databases (gnomAD no frequency). This variant has not been reported in the literature in individuals affected with CHD7-related conditions. ClinVar contains an entry for this variant (Variation ID: 3360347). Invitae Evidence Modeling of protein sequence and biophysical properties (such as structural, functional, and spatial information, amino acid conservation, physicochemical variation, residue mobility, and thermodynamic stability) indicates that this missense variant is not expected to disrupt CHD7 protein function with a negative predictive value of 95%. In summary, the available evidence is currently insufficient to determine the role of this variant in disease. Therefore, it has been classified as a Variant of Uncertain Significance.

Fulgent Genetics
Classification: Uncertain significance for CHD7-related CHARGE syndrome; Hypogonadotropic hypogonadism 5 with or without anosmia. Last evaluated: 2024-03-18. Review status: criteria provided, single submitter. Criteria: ACMG Guidelines, 2015. Collection method: clinical testing. Allele origin: germline.

GeneDx
Classification: Uncertain significance. Last evaluated: 2023-06-28. Review status: criteria provided, single submitter. Criteria: GeneDx Variant Classification Process June 2021. Collection method: clinical testing. Allele origin: germline. Affected: yes.
Comment: Not observed at significant frequency in large population cohorts (gnomAD); In silico analysis supports that this missense variant does not alter protein structure/function; Has not been previously published as pathogenic or benign to our knowledge